The following is an entry in ClinVar:

ClinVar aggregate classification (germline): Uncertain significance. Review status: criteria provided, multiple submitters, no conflicts (2 of 4 stars). 2 submissions from 2 submitters: Uncertain significance (2). Last evaluated 2022-06-28.

Conditions:
Nemaline myopathy 2 (NEM2). Also called: Nemaline myopathy 2, autosomal recessive. Identifiers: MedGen C1850569, MONDO:0009725, OMIM 256030.

Allele frequency attached by ClinVar (database versions not stated): TOPMed below 0.00001.
gnomAD v4.1: 22 of 1,546,310 alleles (0.0014%); highest among the groups gnomAD compares: Non-Finnish European, 0.0019%; no homozygotes.

Submissions (2):

Women's Health and Genetics/Laboratory Corporation of America, LabCorp
Classification: Uncertain significance. Last evaluated: 2022-06-28. Review status: criteria provided, single submitter. Criteria: LabCorp Variant Classification Summary - May 2015. Collection method: clinical testing. Allele origin: germline.
Comment: Variant summary: NEB c.24172A>G (p.Thr8058Ala) results in a non-conservative amino acid change in the encoded protein sequence. Two of four in-silico tools predict a benign effect of the variant on protein function. The variant was absent in 155034 control chromosomes (gnomAD). The available data on variant occurrences in the general population are insufficient to allow any conclusion about variant significance. To our knowledge, no occurrence of c.24172A>G in individuals affected with Nemaline Myopathy 2 and no experimental evidence demonstrating its impact on protein function have been reported. One ClinVar submitter has assessed the variant since 2014: the variant was classified as of uncertain significance. Based on the evidence outlined above, the variant was classified as uncertain significance.

Labcorp Genetics (formerly Invitae), Labcorp
Classification: Uncertain significance for Nemaline myopathy 2. Last evaluated: 2021-09-01. Review status: criteria provided, single submitter. Criteria: Invitae Variant Classification Sherloc (09022015). Collection method: clinical testing. Allele origin: germline.
Comment: This sequence change replaces threonine with alanine at codon 8058 of the NEB protein (p.Thr8058Ala). The threonine residue is weakly conserved and there is a small physicochemical difference between threonine and alanine. This variant is not present in population databases (ExAC no frequency). This variant has not been reported in the literature in individuals affected with NEB-related conditions. Algorithms developed to predict the effect of missense changes on protein structure and function are either unavailable or do not agree on the potential impact of this missense change (SIFT: "Deleterious"; PolyPhen-2: "Not Available"; Align-GVGD: "Class C0"). In summary, the available evidence is currently insufficient to determine the role of this variant in disease. Therefore, it has been classified as a Variant of Uncertain Significance.

NM_001164508.2(NEB):c.24067A>G (p.Thr8023Ala)

Genes: NEB (nebulin; minus strand), RIF1 (replication timing regulatory factor 1; plus strand). Cytogenetic location: 2q23.3.
Variant type: single nucleotide variant.
Coding change: c.24067A>G on transcript NM_001164508.2 (MANE Select); coding-DNA position 24067, A replaced by G.
Protein change: p.Thr8023Ala; replaces threonine 8023 with alanine.
Molecular consequence: missense variant. On other transcripts: intron variant (1).
Genome position (GRCh38, 1-based): chr2:151,499,345, T>C on the plus strand (A>G on the coding strand, the complement: NEB is on the minus strand). VCF-style: chr2-151499345-T-C. GRCh37 (hg19) VCF-style: chr2-152355859-T-C.
Other names: c.24067A>G, p.Thr8023Ala (NM_001164507.2); c.24172A>G, p.Thr8058Ala (NM_001271208.2); c.18826-2977A>G (NM_004543.5); short protein forms T8058A, T8023A.
Identifiers: ClinVar variation 1377638 (VCV001377638.5), dbSNP rs1323764871, ClinGen allele CA348779495.